The following is an entry in ClinVar:

NM_024675.4(PALB2):c.350C>T (p.Pro117Leu)

Gene: PALB2 (partner and localizer of BRCA2; minus strand). Cytogenetic location: 16p12.2.
Variant type: single nucleotide variant.
Coding change: c.350C>T on transcript NM_024675.4 (MANE Select); coding-DNA position 350, C replaced by T.
Protein change: p.Pro117Leu; replaces proline 117 with leucine.
Molecular consequence: missense variant.
Genome position (GRCh38, 1-based): chr16:23,636,196, G>A on the plus strand (C>T on the coding strand, the complement: PALB2 is on the minus strand). VCF-style: chr16-23636196-G-A. GRCh37 (hg19) VCF-style: chr16-23647517-G-A.
Other names: short protein forms P117L.
Identifiers: ClinVar variation 582553 (VCV000582553.12), dbSNP rs1567223025, ClinGen allele CA395137674.

ClinVar aggregate classification (germline): Uncertain significance. Review status: criteria provided, multiple submitters, no conflicts (2 of 4 stars). 2 submissions from 2 submitters: Uncertain significance (2). Last evaluated 2025-09-01.

Conditions:
Familial cancer of breast. Also called: Hereditary breast cancer; hereditary breast carcinoma; BREAST CANCER, FAMILIAL. Identifiers: Orphanet 227535, MedGen C0346153, MONDO:0016419, OMIM 114480. Disease mechanism: loss of function.
Hereditary cancer-predisposing syndrome. Also called: Neoplastic Syndromes, Hereditary; Hereditary Cancer Syndrome; Tumor predisposition; Hereditary neoplastic syndrome. Identifiers: Orphanet 140162, MedGen C0027672, MeSH D009386, MONDO:0015356.

Submissions (2):

Labcorp Genetics (formerly Invitae), Labcorp
Classification: Uncertain significance for Familial cancer of breast. Last evaluated: 2025-09-01. Review status: criteria provided, single submitter. Criteria: Invitae Variant Classification Sherloc (09022015). Collection method: clinical testing. Allele origin: germline.
Comment: This sequence change replaces proline, which is neutral and non-polar, with leucine, which is neutral and non-polar, at codon 117 of the PALB2 protein (p.Pro117Leu). This variant is not present in population databases (gnomAD no frequency). This missense change has been observed in individual(s) with intraductal papillary mucinous neoplasm (PMID: 35171259). ClinVar contains an entry for this variant (Variation ID: 582553). An algorithm developed to predict the effect of missense changes on protein structure and function (PolyPhen-2) suggests that this variant is likely to be tolerated. In summary, the available evidence is currently insufficient to determine the role of this variant in disease. Therefore, it has been classified as a Variant of Uncertain Significance.

Ambry Genetics
Classification: Uncertain significance for Hereditary cancer-predisposing syndrome. Last evaluated: 2022-06-03. Review status: criteria provided, single submitter. Criteria: Ambry Variant Classification Scheme 2023. Collection method: clinical testing. Allele origin: germline.
Comment: The p.P117L variant (also known as c.350C>T), located in coding exon 4 of the PALB2 gene, results from a C to T substitution at nucleotide position 350. The proline at codon 117 is replaced by leucine, an amino acid with similar properties. This amino acid position is conserved. In addition, this alteration is predicted to be tolerated by in silico analysis. Since supporting evidence is limited at this time, the clinical significance of this alteration remains unclear.

Literature cited by the submitters: PubMed 35171259 (cited by Labcorp Genetics (formerly Invitae), Labcorp).